The following is an entry in ClinVar:

NM_001197104.2(KMT2A):c.5665-6T>G

Gene: KMT2A (lysine methyltransferase 2A; plus strand). Cytogenetic location: 11q23.3.
Variant type: single nucleotide variant.
Coding change: c.5665-6T>G on transcript NM_001197104.2 (MANE Select); 6 bases into the intron before coding-DNA position 5665, T replaced by G.
Molecular consequence: intron variant.
Genome position (GRCh38, 1-based): chr11:118,497,930, T>G. VCF-style: chr11-118497930-T-G. GRCh37 (hg19) VCF-style: chr11-118368645-T-G.
Other names: c.5755-6T>G (NM_001412597.1); c.5656-6T>G (NM_005933.4).
Identifiers: ClinVar variation 2829595 (VCV002829595.3), dbSNP rs2496956489, ClinGen allele CA2616264778.
Genomic context (GRCh38, chr11:118,497,930, plus strand): 5'-AATGCCGAGGAAAACCTCCTTTGGCATTATATTCTTTAGGAAAAAAGAAATCTCTTTATT[T>G]TATAGGATGCTGGTCGTTTACTATATATTGGCCAAAATGAGTGGACACATGTAAATTGTG-3'

ClinVar aggregate classification (germline): Uncertain significance (1 of 4 stars; one submission).

Allele frequency attached by ClinVar (database versions not stated): gnomAD exomes below 0.00001.
gnomAD v4.1: 1 of 1,607,102 alleles (0.000062%); highest among the groups gnomAD compares: Non-Finnish European, 0.000085%; no homozygotes.

Submission:

Labcorp Genetics (formerly Invitae), Labcorp
Classification: Uncertain significance. Last evaluated: 2025-06-11. Review status: criteria provided, single submitter. Criteria: Invitae Variant Classification Sherloc (09022015). Collection method: clinical testing. Allele origin: germline.
Comment: This sequence change falls in intron 20 of the KMT2A gene. It does not directly change the encoded amino acid sequence of the KMT2A protein. This variant is not present in population databases (gnomAD no frequency). This variant has not been reported in the literature in individuals affected with KMT2A-related conditions. ClinVar contains an entry for this variant (Variation ID: 2829595). Algorithms developed to predict the effect of sequence changes on RNA splicing suggest that this variant may disrupt the consensus splice site. In summary, the available evidence is currently insufficient to determine the role of this variant in disease. Therefore, it has been classified as a Variant of Uncertain Significance.